The following is an entry in ClinVar:

NM_032119.4(ADGRV1):c.16619G>A (p.Arg5540Lys)

Gene: ADGRV1 (adhesion G protein-coupled receptor V1; plus strand). Cytogenetic location: 5q14.3.
Variant type: single nucleotide variant.
Coding change: c.16619G>A on transcript NM_032119.4 (MANE Select); coding-DNA position 16619, G replaced by A.
Protein change: p.Arg5540Lys; replaces arginine 5540 with lysine.
Molecular consequence: missense variant. On other transcripts: non-coding transcript variant (1).
Genome position (GRCh38, 1-based): chr5:90,840,585, G>A. VCF-style: chr5-90840585-G-A. GRCh37 (hg19) VCF-style: chr5-90136402-G-A.
Other names: short protein forms R5540K.
Identifiers: ClinVar variation 1700376 (VCV001700376.2), dbSNP rs777314329, ClinGen allele CA3342208.
Genomic context (GRCh38, chr5:90,840,585, plus strand): 5'-GACAAGATCAGAGGTGTCATAGATTCACTTAAATGGTGTTGTTTAATTTCTAGGAGTTGA[G>A]GAGTGCTGAAACAATTGGTCGTACCATCATATCTCCAGCTATTTCTGGAAAGGATTTTGT-3'
Protein context (NP_115495.3, residues 5530-5550): MSVNFSTQEL[Arg5540Lys]SAETIGRTII

ClinVar aggregate classification (germline): Uncertain significance (1 of 4 stars; one submission).

Allele frequency attached by ClinVar (database versions not stated): gnomAD exomes below 0.00001 and 0.00001; TOPMed below 0.00001; ExAC 0.00002.
gnomAD v4.1: 2 of 1,597,508 alleles (0.00013%); highest among the groups gnomAD compares: Non-Finnish European, 0.00017%; no homozygotes.

Submission:

GeneDx
Classification: Uncertain significance. Last evaluated: 2022-02-07. Review status: criteria provided, single submitter. Criteria: GeneDx Variant Classification Process June 2021. Collection method: clinical testing. Allele origin: germline. Affected: yes.
Comment: Not observed at significant frequency in large population cohorts (gnomAD); In silico analysis supports that this missense variant does not alter protein structure/function; Has not been previously published as pathogenic or benign to our knowledge